The following is an entry in ClinVar:

ClinVar aggregate classification (germline): Benign. Review status: criteria provided, multiple submitters, no conflicts (2 of 4 stars). 2 submissions from 2 submitters: Benign (2). Last evaluated 2018-06-19.

Allele frequency attached by ClinVar (database versions not stated): 1000 Genomes Project 0.51338; 1000 Genomes Project 30x 0.52124; gnomAD 0.56681 and 0.57808; TOPMed 0.58077.
gnomAD v4.1: 86,280 of 152,140 alleles (57%); highest among the groups gnomAD compares: African/African-American, 72%; 25,486 homozygotes.

Submissions (2):

GeneDx
Classification: Benign. Last evaluated: 2018-06-19. Review status: criteria provided, single submitter. Criteria: GeneDx Variant Classification (06012015). Collection method: clinical testing. Allele origin: germline. Affected: yes.
Comment: This variant is considered likely benign or benign based on one or more of the following criteria: it is a conservative change, it occurs at a poorly conserved position in the protein, it is predicted to be benign by multiple in silico algorithms, and/or has population frequency not consistent with disease.

Breakthrough Genomics
Classification: Benign. Review status: criteria provided, single submitter. Criteria: ACMG Guidelines, 2015. Collection method: not provided. Allele origin: germline. Inheritance: Autosomal recessive inheritance. Affected: yes.

NM_052845.4(MMAB):c.645-156T>C

Gene: MMAB (metabolism of cobalamin associated B; minus strand). Cytogenetic location: 12q24.11.
Variant type: single nucleotide variant.
Coding change: c.645-156T>C on transcript NM_052845.4 (MANE Select); 156 bases into the intron before coding-DNA position 645, T replaced by C.
Molecular consequence: intron variant.
Genome position (GRCh38, 1-based): chr12:109,557,292, A>G on the plus strand (T>C on the coding strand, the complement: MMAB is on the minus strand). VCF-style: chr12-109557292-A-G. GRCh37 (hg19) VCF-style: chr12-109995097-A-G.
Identifiers: ClinVar variation 680641 (VCV000680641.2), dbSNP rs888192, ClinGen allele CA13632182.